The following is an entry in ClinVar:

NM_014516.4(CNOT3):c.732_733delinsAT (p.Ser245Cys)

Gene: CNOT3 (CCR4-NOT transcription complex subunit 3; plus strand). Cytogenetic location: 19q13.42.
Variant type: Indel.
Coding change: c.732_733delinsAT on transcript NM_014516.4 (MANE Select); coding-DNA positions 732 to 733, CA replaced by AT.
Protein change: p.Ser245Cys; replaces serine 245 with cysteine.
Molecular consequence: missense variant. On other transcripts: non-coding transcript variant (2).
Genome position (GRCh38, 1-based): chr19:54,145,938-54,145,939, CA replaced by AT. VCF-style: chr19-54145938-CA-AT. GRCh37 (hg19) VCF-style: chr19-54649674-CA-AT.
Other names: c.735_736delinsAT, p.Ser246Cys (NM_001440653.1, NM_001440655.1, NM_001440657.1 and 3 more transcripts); c.732_733delinsAT, p.Ser245Cys (NM_001440654.1, NM_001440656.1, NM_001440658.1 and 1 more transcripts); c.189_190delinsAT, p.Ser64Cys (NM_001440659.1, NM_001440660.1); short protein forms S245C, S246C, S64C.
Identifiers: ClinVar variation 4686463 (VCV004686463.1).

ClinVar aggregate classification (germline): Uncertain significance (1 of 4 stars; one submission).

Submission:

GeneDx
Classification: Uncertain significance. Last evaluated: 2025-07-15. Review status: criteria provided, single submitter. Criteria: GeneDx Variant Classification Process June 2021. Collection method: clinical testing. Allele origin: germline. Affected: yes.
Comment: Not observed at significant frequency in large population cohorts (gnomAD); Has not been previously published as pathogenic or benign to our knowledge; In silico analysis is inconclusive as to whether the variant alters gene splicing. In the absence of RNA/functional studies, the actual effect of this sequence change is unknown.; In silico analysis does not support a benign or deleterious effect of this variant on protein structure/function